The following is an entry in ClinVar:

NM_004304.5(ALK):c.2192C>G (p.Thr731Ser)

Gene: ALK (ALK receptor tyrosine kinase; minus strand). Cytogenetic location: 2p23.2.
Variant type: single nucleotide variant.
Coding change: c.2192C>G on transcript NM_004304.5 (MANE Select); coding-DNA position 2192, C replaced by G.
Protein change: p.Thr731Ser; replaces threonine 731 with serine.
Molecular consequence: missense variant.
Genome position (GRCh38, 1-based): chr2:29,251,117, G>C on the plus strand (C>G on the coding strand, the complement: ALK is on the minus strand). VCF-style: chr2-29251117-G-C. GRCh37 (hg19) VCF-style: chr2-29473983-G-C.
Other names: short protein forms T731S.
Identifiers: ClinVar variation 1787438 (VCV001787438.5), dbSNP rs1664804232, ClinGen allele CA346476703.
Genomic context (GRCh38, chr2:29,251,117, plus strand): 5'-CTTCGGAAGGGGTGGTCTGCCCCTCCCCTCCCCCTCTTCCATACGCACCTGTAGGTGTCG[G>C]TGGCTGGCACCTTCCAGATCTGGATGCCTTTCAGGGGGCCCTCGCTCCCCACCTCCACGC-3'
Protein context (NP_004295.2, residues 721-741): KGIQIWKVPA[Thr731Ser]DTYSISGYGA

ClinVar aggregate classification (germline): Uncertain significance. Review status: criteria provided, multiple submitters, no conflicts (2 of 4 stars). 2 submissions from 2 submitters: Uncertain significance (2). Last evaluated 2023-11-07.

Conditions:
Hereditary cancer-predisposing syndrome. Also called: Tumor predisposition; Neoplastic Syndromes, Hereditary; Hereditary Cancer Syndrome; Hereditary neoplastic syndrome. Identifiers: Orphanet 140162, MedGen C0027672, MeSH D009386, MONDO:0015356.
Neuroblastoma, susceptibility to, 3. Also called: ALK-Related Neuroblastic Tumor Susceptibility. Identifiers: Orphanet 635, MedGen C2751681, MONDO:0013083, OMIM 613014.

Submissions (2):

Labcorp Genetics (formerly Invitae), Labcorp
Classification: Uncertain significance for Neuroblastoma, susceptibility to, 3. Last evaluated: 2023-11-07. Review status: criteria provided, single submitter. Criteria: Invitae Variant Classification Sherloc (09022015). Collection method: clinical testing. Allele origin: germline.
Comment: This sequence change replaces threonine, which is neutral and polar, with serine, which is neutral and polar, at codon 731 of the ALK protein (p.Thr731Ser). This variant is not present in population databases (gnomAD no frequency). This variant has not been reported in the literature in individuals affected with ALK-related conditions. ClinVar contains an entry for this variant (Variation ID: 1787438). An algorithm developed to predict the effect of missense changes on protein structure and function (PolyPhen-2) suggests that this variant is likely to be disruptive. In summary, the available evidence is currently insufficient to determine the role of this variant in disease. Therefore, it has been classified as a Variant of Uncertain Significance.

Ambry Genetics
Classification: Uncertain significance for Hereditary cancer-predisposing syndrome. Last evaluated: 2022-10-29. Review status: criteria provided, single submitter. Criteria: Ambry Variant Classification Scheme 2023. Collection method: clinical testing. Allele origin: germline.
Comment: The p.T731S variant (also known as c.2192C>G), located in coding exon 12 of the ALK gene, results from a C to G substitution at nucleotide position 2192. The threonine at codon 731 is replaced by serine, an amino acid with similar properties. This amino acid position is conserved. In addition, the in silico prediction for this alteration is inconclusive. Since supporting evidence is limited at this time, the clinical significance of this alteration remains unclear.